The following is an entry in ClinVar:

NM_001128840.3(CACNA1D):c.113G>A (p.Gly38Glu)

Gene: CACNA1D (calcium voltage-gated channel subunit alpha1 D; plus strand). Cytogenetic location: 3p21.1.
Variant type: single nucleotide variant.
Coding change: c.113G>A on transcript NM_001128840.3 (MANE Select); coding-DNA position 113, G replaced by A.
Protein change: p.Gly38Glu; replaces glycine 38 with glutamic acid.
Molecular consequence: missense variant.
Genome position (GRCh38, 1-based): chr3:53,497,197, G>A. VCF-style: chr3-53497197-G-A. GRCh37 (hg19) VCF-style: chr3-53531224-G-A.
Other names: c.113G>A, p.Gly38Glu (NM_000720.4, NM_001128839.3); short protein forms G38E.
Identifiers: ClinVar variation 2430422 (VCV002430422.2), dbSNP rs752623993, ClinGen allele CA353381770.

ClinVar aggregate classification (germline): Uncertain significance. Review status: criteria provided, multiple submitters, no conflicts (2 of 4 stars). 2 submissions from 2 submitters: Uncertain significance (2). Last evaluated 2025-12-08.

Conditions:
Inborn genetic diseases. Identifiers: MedGen C0950123, MeSH D030342.

Submissions (2):

Ambry Genetics
Classification: Uncertain significance for Inborn genetic diseases. Last evaluated: 2025-12-08. Review status: criteria provided, single submitter. Criteria: Ambry Variant Classification Scheme 2023. Collection method: clinical testing. Allele origin: germline.

GeneDx
Classification: Uncertain significance. Last evaluated: 2022-08-19. Review status: criteria provided, single submitter. Criteria: GeneDx Variant Classification Process June 2021. Collection method: clinical testing. Allele origin: germline. Affected: yes.
Comment: Not observed at significant frequency in large population cohorts (gnomAD); In silico analysis supports that this missense variant does not alter protein structure/function; Has not been previously published as pathogenic or benign to our knowledge